The following is an entry in ClinVar:

NM_001083961.2(WDR62):c.1043+1G>C

Gene: WDR62 (WD repeat domain 62; plus strand). Cytogenetic location: 19q13.12.
Variant type: single nucleotide variant.
Coding change: c.1043+1G>C on transcript NM_001083961.2 (MANE Select); the canonical splice donor site of the intron after coding-DNA position 1043, G replaced by C.
Molecular consequence: splice donor variant. On other transcripts: intron variant (1).
Genome position (GRCh38, 1-based): chr19:36,071,717, G>C. VCF-style: chr19-36071717-G-C. GRCh37 (hg19) VCF-style: chr19-36562619-G-C.
Other names: c.1043+1G>C (NM_173636.5, NM_001411146.1, NM_001411145.1); c.882+3707G>C (NM_001411147.1).
Identifiers: ClinVar variation 3357903 (VCV003357903.1).
Genomic context (GRCh38, chr19:36,071,717, plus strand): 5'-CGCCAACCTGCCCAAGCCACACTACCTTGGGGTAGACGTGGCACAGGGCCTGGAGCCCAG[G>C]TACTGCCCTGTGGGGAGAGGGAATGGGAGGGGCCCACCCAGAGTCTGTCCACTGGCATTC-3'

ClinVar aggregate classification (germline): Likely pathogenic (0 of 4 stars; one submission).

Conditions:
WDR62-related disorder. Also called: WDR62-related condition.

gnomAD v4.1: 1 of 1,612,156 alleles (0.000062%); highest among the groups gnomAD compares: Non-Finnish European, 0.000085%; no homozygotes.

Submission:

PreventionGenetics, part of Exact Sciences
Classification: Likely pathogenic for WDR62-related condition. Last evaluated: 2024-06-04. Review status: no assertion criteria provided. Collection method: clinical testing. Allele origin: germline.
Comment: The WDR62 c.1043+1G>C variant is predicted to disrupt the GT donor site and interfere with normal splicing. To our knowledge, this variant has not been reported in the literature. This variant is reported in 0.00088% of alleles in individuals of European (Non-Finnish) descent in gnomAD. Another variant affecting the same consensus splice donor site, c.1043+1G>A, has been reported in the homozygous state in an individual with microcephaly and simplified gyri (Yu et al. 2010. PubMed ID: 20890278). Variants that disrupt the consensus splice donor site in WDR62 are expected to be pathogenic. Taken together, the c.1043+1G>C variant is interpreted as likely pathogenic.